The following is an entry in ClinVar:

NM_000718.4(CACNA1B):c.776-9T>C

Gene: CACNA1B (calcium voltage-gated channel subunit alpha1 B; plus strand). Cytogenetic location: 9q34.3.
Variant type: single nucleotide variant.
Coding change: c.776-9T>C on transcript NM_000718.4 (MANE Select); 9 bases into the intron before coding-DNA position 776, T replaced by C.
Molecular consequence: intron variant.
Genome position (GRCh38, 1-based): chr9:137,917,232, T>C. VCF-style: chr9-137917232-T-C. GRCh37 (hg19) VCF-style: chr9-140811684-T-C.
Other names: c.776-9T>C (NM_001243812.2, NM_000718.3).
Identifiers: ClinVar variation 2060927 (VCV002060927.6), dbSNP rs199722206, ClinGen allele CA5375963.

ClinVar aggregate classification (germline): Benign. Review status: criteria provided, single submitter (1 of 4 stars). 2 submissions from 2 submitters: Benign (1). 1 of the submissions does not count toward it. Last evaluated 2025-12-03.

Conditions:
CACNA1B-related disorder. Also called: CACNA1B-related condition.

Allele frequency attached by ClinVar (database versions not stated): ExAC 0.00017; ESP Exome Variant Server 0.00024; gnomAD 0.00058; TOPMed 0.00058; 1000 Genomes Project 0.00060.
gnomAD v4.1: 174 of 1,609,108 alleles (0.011%); highest among the groups gnomAD compares: African/African-American, 0.19%; no homozygotes.

Submissions (2):

Labcorp Genetics (formerly Invitae), Labcorp
Classification: Benign. Last evaluated: 2025-12-03. Review status: criteria provided, single submitter. Criteria: Invitae Variant Classification Sherloc (09022015). Collection method: clinical testing. Allele origin: germline.

PreventionGenetics, part of Exact Sciences
Classification: Likely benign for CACNA1B-related condition. Last evaluated: 2019-05-02. Review status: no assertion criteria provided. Collection method: clinical testing. Allele origin: germline. Not counted in ClinVar's aggregate classification.
Comment: This variant is classified as likely benign based on ACMG/AMP sequence variant interpretation guidelines (Richards et al. 2015 PMID: 25741868, with internal and published modifications).